The following is an entry in ClinVar:

NM_000360.4(TH):c.976C>G (p.Pro326Ala)

Gene: TH (tyrosine hydroxylase; minus strand). Cytogenetic location: 11p15.5.
Variant type: single nucleotide variant.
Coding change: c.976C>G on transcript NM_000360.4 (MANE Select); coding-DNA position 976, C replaced by G.
Protein change: p.Pro326Ala; replaces proline 326 with alanine.
Molecular consequence: missense variant. On other transcripts: intron variant (2).
Genome position (GRCh38, 1-based): chr11:2,166,634, G>C on the plus strand (C>G on the coding strand, the complement: TH is on the minus strand). VCF-style: chr11-2166634-G-C. GRCh37 (hg19) VCF-style: chr11-2187864-G-C.
Other names: c.988C>G, p.Pro330Ala (NM_001440535.1); c.1069C>G, p.Pro357Ala (NM_199292.3); c.1057C>G, p.Pro353Ala (NM_199293.3); c.696-85C>G (NM_001440537.1); c.708-85C>G (NM_001440536.1); short protein forms P326A, P330A, P353A, P357A.
Identifiers: ClinVar variation 5019724 (VCV005019724.2).

ClinVar aggregate classification (germline): Uncertain significance (1 of 4 stars; one submission).

Conditions:
TH-deficient dopa-responsive dystonia. Also called: Segawa syndrome, autosomal recessive; DYT-TH; Tyrosine Hydroxylase-Deficient Dopa-Responsive Dystonia. Identifiers: Orphanet 101150, MedGen C2673535, MONDO:0011551, OMIM 605407.

gnomAD v4.1: 1 of 1,579,930 alleles (0.000063%); highest among the groups gnomAD compares: Non-Finnish European, 0.000086%; no homozygotes.

Submission:

Juno Genomics, Hangzhou Juno Genomics, Inc
Classification: Uncertain significance for TH-deficient dopa-responsive dystonia. Review status: criteria provided, single submitter. Criteria: ACMG Guidelines, 2015. Collection method: clinical testing. Allele origin: germline.
Comment: Absent from controls (or at extremely low frequency if recessive) in Genome Aggregation Database.;Multiple lines of computational evidence support a deleterious effect on the gene or gene product.